The following is an entry in ClinVar:

ClinVar aggregate classification (germline): Uncertain significance (1 of 4 stars; one submission).

Submission:

Labcorp Genetics (formerly Invitae), Labcorp
Classification: Uncertain significance. Last evaluated: 2024-10-22. Review status: criteria provided, single submitter. Criteria: Invitae Variant Classification Sherloc (09022015). Collection method: clinical testing. Allele origin: germline.
Comment: This sequence change falls in intron 10 of the SZT2 gene. It does not directly change the encoded amino acid sequence of the SZT2 protein. It affects a nucleotide within the consensus splice site. This variant is not present in population databases (gnomAD no frequency). This variant has not been reported in the literature in individuals affected with SZT2-related conditions. ClinVar contains an entry for this variant (Variation ID: 966639). Variants that disrupt the consensus splice site are a relatively common cause of aberrant splicing (PMID: 17576681, 9536098). Algorithms developed to predict the effect of sequence changes on RNA splicing suggest that this variant may disrupt the consensus splice site. In summary, the available evidence is currently insufficient to determine the role of this variant in disease. Therefore, it has been classified as a Variant of Uncertain Significance.

Literature cited by the submitters: PubMed 17576681; PubMed 9536098.

NM_001365999.1(SZT2):c.1496+5G>T

Gene: SZT2 (SZT2 subunit of KICSTOR complex; plus strand). Cytogenetic location: 1p34.2.
Variant type: single nucleotide variant.
Coding change: c.1496+5G>T on transcript NM_001365999.1 (MANE Select); 5 bases into the intron after coding-DNA position 1496, G replaced by T.
Molecular consequence: intron variant.
Genome position (GRCh38, 1-based): chr1:43,420,988, G>T. VCF-style: chr1-43420988-G-T. GRCh37 (hg19) VCF-style: chr1-43886659-G-T.
Other names: c.1496+5G>T (NM_015284.4).
Identifiers: ClinVar variation 966639 (VCV000966639.7), dbSNP rs952114700, ClinGen allele CA1139656088.